The following is an entry in ClinVar:

ClinVar aggregate classification (germline): Pathogenic. Review status: criteria provided, single submitter (1 of 4 stars). 2 submissions from 2 submitters: Pathogenic (1). 1 of the submissions does not count toward it. Last evaluated 2025-05-28.

Conditions:
Myopathy, centronuclear, 5 (CNM5). Identifiers: Orphanet 169186, MedGen C4014814, MONDO:0014418, OMIM 615959.

Submissions (2):

Labcorp Genetics (formerly Invitae), Labcorp
Classification: Pathogenic. Last evaluated: 2025-05-28. Review status: criteria provided, single submitter. Criteria: Invitae Variant Classification Sherloc (09022015). Collection method: clinical testing. Allele origin: germline.
Comment: This variant results in the deletion of part of exon 13 (c.3709_3715+29del) of the SPEG gene. It is expected to disrupt RNA splicing. Variants that disrupt the donor or acceptor splice site typically lead to a loss of protein function (PMID: 16199547), and loss-of-function variants in SPEG are known to be pathogenic (PMID: 19118250, 25087613). This variant is not present in population databases (gnomAD no frequency). This variant has been observed in individual(s) with SPEG-related conditions (PMID: 25087613). In at least one individual the data is consistent with being in trans (on the opposite chromosome) from a pathogenic variant. ClinVar contains an entry for this variant (Variation ID: 144079). For these reasons, this variant has been classified as Pathogenic.

OMIM
Classification: Pathogenic for CENTRONUCLEAR MYOPATHY 5. Last evaluated: 2014-08-07. Review status: no assertion criteria provided. Collection method: literature only. Allele origin: germline. Not counted in ClinVar's aggregate classification.

Literature cited by the submitters: PubMed 16199547 (cited by Labcorp Genetics (formerly Invitae), Labcorp); PubMed 19118250 (cited by Labcorp Genetics (formerly Invitae), Labcorp); PubMed 25087613 (cited by Labcorp Genetics (formerly Invitae), Labcorp and OMIM).

NM_005876.5(SPEG):c.3709_3715+29del

Gene: SPEG (striated muscle enriched protein kinase; plus strand). Cytogenetic location: 2q35.
Variant type: Deletion.
Coding change: c.3709_3715+29del on transcript NM_005876.5 (MANE Select); coding-DNA position 3709 through 29 bases into the intron after coding-DNA position 3715, 36 bases deleted.
Molecular consequence: splice donor variant.
Genome position (GRCh38, 1-based): chr2:219,469,373-219,469,408, 36 bases deleted; deleting any 36 consecutive bases within chr2:219,469,371-219,469,408 gives the same sequence; the c. name uses the placement nearest the transcript's 3' end. GRCh37 (hg19): chr2:220,334,095-220,334,130.
Identifiers: ClinVar variation 144079 (VCV000144079.2), dbSNP rs587777674, ClinGen allele CA170644.